The following is an entry in ClinVar:

ClinVar aggregate classification (germline): Uncertain significance. Review status: criteria provided, multiple submitters, no conflicts (2 of 4 stars). 2 submissions from 2 submitters: Uncertain significance (2). Last evaluated 2026-03-02.

Allele frequency attached by ClinVar (database versions not stated): 1000 Genomes Project 0.00020; 1000 Genomes Project 30x 0.00031; gnomAD exomes below 0.00001; gnomAD 0.00001.

Submissions (2):

Women's Health and Genetics/Laboratory Corporation of America, LabCorp
Classification: Uncertain significance. Last evaluated: 2026-03-02. Review status: criteria provided, single submitter. Criteria: LabCorp Variant Classification Summary - May 2015. Collection method: clinical testing. Allele origin: germline.
Comment: Variant summary: AEBP1 c.3268G>A (p.Val1090Met) results in a conservative amino acid change in the encoded protein sequence. Algorithms developed to predict the effect of missense changes on protein structure and function are either unavailable or do not agree on the potential impact of this missense change. The frequency data for this variant in gnomAD is considered unreliable, as metrics indicate poor data quality at this position. To our knowledge, no occurrence of c.3268G>A in individuals affected with AEBP1-related conditions and no experimental evidence demonstrating its impact on protein function have been reported. ClinVar contains an entry for this variant (Variation ID: 2989930). Based on the evidence outlined above, the variant was classified as uncertain significance.

Labcorp Genetics (formerly Invitae), Labcorp
Classification: Uncertain significance. Last evaluated: 2022-11-10. Review status: criteria provided, single submitter. Criteria: Invitae Variant Classification Sherloc (09022015). Collection method: clinical testing. Allele origin: germline.
Comment: This sequence change replaces valine, which is neutral and non-polar, with methionine, which is neutral and non-polar, at codon 1090 of the AEBP1 protein (p.Val1090Met). In summary, the available evidence is currently insufficient to determine the role of this variant in disease. Therefore, it has been classified as a Variant of Uncertain Significance. Algorithms developed to predict the effect of missense changes on protein structure and function are either unavailable or do not agree on the potential impact of this missense change (SIFT: "Deleterious"; PolyPhen-2: "Not Available"; Align-GVGD: "Class C0"). This variant has not been reported in the literature in individuals affected with AEBP1-related conditions. This variant is present in population databases (rs549409167, gnomAD 0.0009%).

NM_001129.5(AEBP1):c.3268G>A (p.Val1090Met)

Gene: AEBP1 (AE binding protein 1; plus strand). Cytogenetic location: 7p13.
Variant type: single nucleotide variant.
Coding change: c.3268G>A on transcript NM_001129.5 (MANE Select); coding-DNA position 3268, G replaced by A.
Protein change: p.Val1090Met; replaces valine 1090 with methionine.
Molecular consequence: missense variant.
Genome position (GRCh38, 1-based): chr7:44,114,052, G>A. VCF-style: chr7-44114052-G-A. GRCh37 (hg19) VCF-style: chr7-44153651-G-A.
Other names: short protein forms V1090M.
Identifiers: ClinVar variation 2989930 (VCV002989930.4), dbSNP rs549409167, ClinGen allele CA157884287.